The following is an entry in ClinVar:

NM_025074.7(FRAS1):c.8770G>C (p.Ala2924Pro)

Gene: FRAS1 (Fraser extracellular matrix complex subunit 1; plus strand). Cytogenetic location: 4q21.21.
Variant type: single nucleotide variant.
Coding change: c.8770G>C on transcript NM_025074.7 (MANE Select); coding-DNA position 8770, G replaced by C.
Protein change: p.Ala2924Pro; replaces alanine 2924 with proline.
Molecular consequence: missense variant.
Genome position (GRCh38, 1-based): chr4:78,488,892, G>C. VCF-style: chr4-78488892-G-C. GRCh37 (hg19) VCF-style: chr4-79410046-G-C.
Other names: short protein forms A2924P.
Identifiers: ClinVar variation 2413766 (VCV002413766.2), dbSNP rs1720253920, ClinGen allele CA357375267.
Genomic context (GRCh38, chr4:78,488,892, plus strand): 5'-TCTTCCACTAATGGTGCGTCTGTCTTTCTGTCTGCCCACCTAGTGCCCAGCATGCAGTTT[G>C]CCAAGGATTTGCTCCTAGTGAAGGAGAAGGAGGGTGTCCTGCATGTCCCTATCACTCGGA-3'
Protein context (NP_079350.5, residues 2914-2934): TFQDVPSMQF[Ala2924Pro]KDLLLVKEKE

ClinVar aggregate classification (germline): Uncertain significance (1 of 4 stars; one submission).

Allele frequency attached by ClinVar (database versions not stated): gnomAD 0.00001; TOPMed 0.00001.
gnomAD v4.1: 2 of 1,612,444 alleles (0.00012%); highest among the groups gnomAD compares: Admixed American, 0.0017%; no homozygotes.

Submission:

Labcorp Genetics (formerly Invitae), Labcorp
Classification: Uncertain significance. Last evaluated: 2021-12-23. Review status: criteria provided, single submitter. Criteria: Invitae Variant Classification Sherloc (09022015). Collection method: clinical testing. Allele origin: germline.
Comment: This sequence change replaces alanine, which is neutral and non-polar, with proline, which is neutral and non-polar, at codon 2924 of the FRAS1 protein (p.Ala2924Pro). This variant is not present in population databases (gnomAD no frequency). This variant has not been reported in the literature in individuals affected with FRAS1-related conditions. Algorithms developed to predict the effect of missense changes on protein structure and function are either unavailable or do not agree on the potential impact of this missense change (SIFT: "Tolerated"; PolyPhen-2: "Possibly Damaging"; Align-GVGD: "Class C0"). In summary, the available evidence is currently insufficient to determine the role of this variant in disease. Therefore, it has been classified as a Variant of Uncertain Significance.